The following is an entry in ClinVar:

NM_005188.4(CBL):c.2245A>C (p.Thr749Pro)

Gene: CBL (Cbl proto-oncogene; plus strand). Cytogenetic location: 11q23.3.
Variant type: single nucleotide variant.
Coding change: c.2245A>C on transcript NM_005188.4 (MANE Select); coding-DNA position 2245, A replaced by C.
Protein change: p.Thr749Pro; replaces threonine 749 with proline.
Molecular consequence: missense variant.
Genome position (GRCh38, 1-based): chr11:119,297,475, A>C. VCF-style: chr11-119297475-A-C. GRCh37 (hg19) VCF-style: chr11-119168185-A-C.
Other names: c.2245A>C (NM_005188.2); short protein forms T749P.
Identifiers: ClinVar variation 3688444 (VCV003688444.3).

ClinVar aggregate classification (germline): Uncertain significance. Review status: criteria provided, multiple submitters, no conflicts (2 of 4 stars). 2 submissions from 2 submitters: Uncertain significance (2). Last evaluated 2025-03-10.

Conditions:
RASopathy. Also called: Noonan spectrum disorder; rasopathies. Identifiers: Orphanet 536391, MedGen C5555857, MONDO:0021060.
Cardiovascular phenotype. Identifiers: MedGen CN230736.

gnomAD v4.1: 1 of 1,609,204 alleles (0.000062%); highest among the groups gnomAD compares: African/African-American, 0.0013%; no homozygotes.

Submissions (2):

Ambry Genetics
Classification: Uncertain significance for Cardiovascular phenotype. Last evaluated: 2025-03-10. Review status: criteria provided, single submitter. Criteria: Ambry Variant Classification Scheme 2023. Collection method: clinical testing. Allele origin: germline.
Comment: The p.T749P variant (also known as c.2245A>C), located in coding exon 14 of the CBL gene, results from an A to C substitution at nucleotide position 2245. The threonine at codon 749 is replaced by proline, an amino acid with highly similar properties. This amino acid position is conserved. In addition, this alteration is predicted to be tolerated by in silico analysis. Based on the available evidence, the clinical significance of this variant remains unclear.

Labcorp Genetics (formerly Invitae), Labcorp
Classification: Uncertain significance for RASopathy. Last evaluated: 2024-04-25. Review status: criteria provided, single submitter. Criteria: Invitae Variant Classification Sherloc (09022015). Collection method: clinical testing. Allele origin: germline.
Comment: This sequence change replaces threonine, which is neutral and polar, with proline, which is neutral and non-polar, at codon 749 of the CBL protein (p.Thr749Pro). This variant is not present in population databases (gnomAD no frequency). This variant has not been reported in the literature in individuals affected with CBL-related conditions. Advanced modeling of protein sequence and biophysical properties (such as structural, functional, and spatial information, amino acid conservation, physicochemical variation, residue mobility, and thermodynamic stability) performed at Invitae indicates that this missense variant is not expected to disrupt CBL protein function with a negative predictive value of 95%. In summary, the available evidence is currently insufficient to determine the role of this variant in disease. Therefore, it has been classified as a Variant of Uncertain Significance.